The following is an entry in ClinVar:

ClinVar aggregate classification (germline): Uncertain significance (1 of 4 stars; one submission).

Conditions:
LZTFL1-related disorder. Also called: LZTFL1-related condition.

gnomAD v4.1: 17 of 1,614,232 alleles (0.0011%); highest among the groups gnomAD compares: Non-Finnish European, 0.0014%; no homozygotes.

Submission:

PreventionGenetics, part of Exact Sciences
Classification: Uncertain significance for LZTFL1-related condition. Last evaluated: 2024-11-07. Review status: criteria provided, single submitter. Criteria: ACMG Guidelines, 2015. Collection method: clinical testing. Allele origin: germline.
Comment: The LZTFL1 c.686A>G variant is predicted to result in the amino acid substitution p.Lys229Arg. To our knowledge, this variant has not been reported in the literature. This variant is reported in 0.0018% of alleles in individuals of European (Non-Finnish) descent in gnomAD. At this time, the clinical significance of this variant is uncertain due to the absence of conclusive functional and genetic evidence.

NM_020347.4(LZTFL1):c.686A>G (p.Lys229Arg)

Gene: LZTFL1 (leucine zipper transcription factor like 1; minus strand). Cytogenetic location: 3p21.31.
Variant type: single nucleotide variant.
Coding change: c.686A>G on transcript NM_020347.4 (MANE Select); coding-DNA position 686, A replaced by G.
Protein change: p.Lys229Arg; replaces lysine 229 with arginine.
Molecular consequence: missense variant. On other transcripts: non-coding transcript variant (2).
Genome position (GRCh38, 1-based): chr3:45,828,530, T>C on the plus strand (A>G on the coding strand, the complement: LZTFL1 is on the minus strand). VCF-style: chr3-45828530-T-C. GRCh37 (hg19) VCF-style: chr3-45870022-T-C.
Other names: c.635A>G, p.Lys212Arg (NM_001276378.2, NM_001386451.1, NM_001405922.1 and 4 more transcripts); c.674A>G, p.Lys225Arg (NM_001276379.2, NM_001405921.1); c.686A>G, p.Lys229Arg (NM_001386452.1); c.710A>G, p.Lys237Arg (NM_001405920.1, NM_001405925.1); c.620A>G, p.Lys207Arg (NM_001405924.1); short protein forms K212R, K229R, K237R, K207R, K225R.
Identifiers: ClinVar variation 4986256 (VCV004986256.1).